The following is an entry in ClinVar:

ClinVar aggregate classification (germline): Uncertain significance (1 of 4 stars; one submission).

Allele frequency attached by ClinVar (database versions not stated): gnomAD exomes 0.00001.
gnomAD v4.1: 9 of 1,211,463 alleles (0.00074%); highest among the groups gnomAD compares: Non-Finnish European, 0.00089%; no homozygotes.

Submission:

Labcorp Genetics (formerly Invitae), Labcorp
Classification: Uncertain significance. Last evaluated: 2025-05-14. Review status: criteria provided, single submitter. Criteria: Invitae Variant Classification Sherloc (09022015). Collection method: clinical testing. Allele origin: germline.
Comment: This sequence change replaces arginine, which is basic and polar, with glutamine, which is neutral and polar, at codon 784 of the TLR7 protein (p.Arg784Gln). This variant is not present in population databases (gnomAD no frequency). This variant has not been reported in the literature in individuals affected with TLR7-related conditions. ClinVar contains an entry for this variant (Variation ID: 2893131). An algorithm developed to predict the effect of missense changes on protein structure and function outputs the following: PolyPhen-2: "Benign". The glutamine amino acid residue is found in multiple mammalian species, which suggests that this missense change does not adversely affect protein function. In summary, the available evidence is currently insufficient to determine the role of this variant in disease. Therefore, it has been classified as a Variant of Uncertain Significance.

NM_016562.4(TLR7):c.2351G>A (p.Arg784Gln)

Gene: TLR7 (toll like receptor 7; plus strand). Cytogenetic location: Xp22.2.
Variant type: single nucleotide variant.
Coding change: c.2351G>A on transcript NM_016562.4 (MANE Select); coding-DNA position 2351, G replaced by A.
Protein change: p.Arg784Gln; replaces arginine 784 with glutamine.
Molecular consequence: missense variant.
Genome position (GRCh38, 1-based): chrX:12,887,859, G>A. VCF-style: chrX-12887859-G-A. GRCh37 (hg19) VCF-style: chrX-12905978-G-A.
Other names: short protein forms R784Q.
Identifiers: ClinVar variation 2893131 (VCV002893131.3), dbSNP rs2042916801, ClinGen allele CA412410170.